The following is an entry in ClinVar:

NM_003172.4(SURF1):c.304C>G (p.Pro102Ala)

Gene: SURF1 (SURF1 cytochrome c oxidase assembly factor; minus strand). Cytogenetic location: 9q34.2.
Variant type: single nucleotide variant.
Coding change: c.304C>G on transcript NM_003172.4 (MANE Select); coding-DNA position 304, C replaced by G.
Protein change: p.Pro102Ala; replaces proline 102 with alanine.
Molecular consequence: missense variant. On other transcripts: 5 prime UTR variant (1).
Genome position (GRCh38, 1-based): chr9:133,354,678, G>C on the plus strand (C>G on the coding strand, the complement: SURF1 is on the minus strand). VCF-style: chr9-133354678-G-C. GRCh37 (hg19) VCF-style: chr9-136221533-G-C.
Other names: c.-24C>G (NM_001280787.1); c.304C>G (NM_003172.2); short protein forms P102A.
Identifiers: ClinVar variation 2199401 (VCV002199401.5), dbSNP rs782402465, ClinGen allele CA200833349.

ClinVar aggregate classification (germline): Uncertain significance. Review status: criteria provided, multiple submitters, no conflicts (2 of 4 stars). 3 submissions from 3 submitters: Uncertain significance (3). Last evaluated 2025-06-04.

Conditions:
Inborn genetic diseases. Identifiers: MedGen C0950123, MeSH D030342.
Leigh syndrome (NULS). Also called: Subacute necrotizing encephalopathy; Necrotizing encephalopathy infantile subacute of Leigh; Leigh's syndrome; Leigh's necrotizing encephalopathy; Leigh's disease; Leigh Syndrome (mtDNA deletion). Identifiers: Orphanet 506, MedGen C2931891, MONDO:0009723, OMIM 256000.

Allele frequency attached by ClinVar (database versions not stated): gnomAD 0.00001; gnomAD exomes 0.00002; TOPMed 0.00003.
gnomAD v4.1: 36 of 1,612,996 alleles (0.0022%); highest among the groups gnomAD compares: Admixed American, 0.0067%; no homozygotes.

Submissions (3):

Ambry Genetics
Classification: Uncertain significance for Inborn genetic diseases. Last evaluated: 2025-06-04. Review status: criteria provided, single submitter. Criteria: Ambry Variant Classification Scheme 2023. Collection method: clinical testing. Allele origin: germline.

Labcorp Genetics (formerly Invitae), Labcorp
Classification: Uncertain significance for Leigh syndrome. Last evaluated: 2022-03-05. Review status: criteria provided, single submitter. Criteria: Invitae Variant Classification Sherloc (09022015). Collection method: clinical testing. Allele origin: germline.
Comment: This sequence change replaces proline, which is neutral and non-polar, with alanine, which is neutral and non-polar, at codon 102 of the SURF1 protein (p.Pro102Ala). This variant is present in population databases (rs782402465, gnomAD 0.006%). This variant has not been reported in the literature in individuals affected with SURF1-related conditions. Algorithms developed to predict the effect of missense changes on protein structure and function are either unavailable or do not agree on the potential impact of this missense change (SIFT: "Tolerated"; PolyPhen-2: "Possibly Damaging"; Align-GVGD: "Class C0"). In summary, the available evidence is currently insufficient to determine the role of this variant in disease. Therefore, it has been classified as a Variant of Uncertain Significance.

Revvity Omics, Revvity
Classification: Uncertain significance. Last evaluated: 2021-10-05. Review status: criteria provided, single submitter. Criteria: ACMG Guidelines, 2015. Collection method: clinical testing. Allele origin: germline.